The following is an entry in ClinVar:

ClinVar aggregate classification (germline): Uncertain significance (1 of 4 stars; one submission).

Submission:

Mayo Clinic Laboratories, Mayo Clinic
Classification: Uncertain significance. Last evaluated: 2024-07-30. Review status: criteria provided, single submitter. Criteria: ACMG Guidelines, 2015. Collection method: clinical testing. Allele origin: germline. Observed: 1 variant allele.
Comment: BP4, PM2

NM_020821.3(VPS13C):c.6857C>G (p.Thr2286Ser)

Gene: VPS13C (vacuolar protein sorting 13 homolog C; minus strand). Cytogenetic location: 15q22.2.
Variant type: single nucleotide variant.
Coding change: c.6857C>G on transcript NM_020821.3 (MANE Select); coding-DNA position 6857, C replaced by G.
Protein change: p.Thr2286Ser; replaces threonine 2286 with serine.
Molecular consequence: missense variant.
Genome position (GRCh38, 1-based): chr15:61,922,515, G>C on the plus strand (C>G on the coding strand, the complement: VPS13C is on the minus strand). VCF-style: chr15-61922515-G-C. GRCh37 (hg19) VCF-style: chr15-62214714-G-C.
Other names: p.Thr2286Ser; c.6857C>G, p.Thr2286Ser (NM_001018088.3); c.6728C>G, p.Thr2243Ser (NM_017684.5, NM_018080.4); short protein forms T2243S, T2286S.
Identifiers: ClinVar variation 3380292 (VCV003380292.1).